The following is an entry in ClinVar:

ClinVar aggregate classification (germline): Uncertain significance (1 of 4 stars; one submission).

Submission:

ISCA site 4
Classification: Uncertain significance. Last evaluated: 2011-08-12. Review status: criteria provided, single submitter. Criteria: Kaminsky et al. (Genet Med. 2011). Collection method: clinical testing. Allele origin: unknown. Affected: yes. Observed: 1 variant allele.
Comment: Copy number variation identified through the course of routine clinical cytogenomic testing in postnatal populations. Clinical assertions have been curated as described in Kaminsky et al. 2011.

GRCh38/hg38 1p13.2(chr1:112147402-113470058)x3

Genes: TAFA3 (TAFA chemokine like family member 3; plus strand), WNT2B (Wnt family member 2B; plus strand), CAPZA1 (capping actin protein of muscle Z-line subunit alpha 1; plus strand), CTTNBP2NL (CTTNBP2 N-terminal like; plus strand), LINC01356 (long intergenic non-protein coding RNA 1356; minus strand) and 58 more. Cytogenetic location: 1p13.2.
Variant type: copy number gain.
Change: copy number 3 (three copies instead of two) of chr1:112,147,402-113,470,058 (1.32 Mb, GRCh38 coordinates, 1-based), cytogenetic band 1p13.2.
Identifiers: ClinVar variation 57493 (VCV000057493.1).